The following is an entry in ClinVar:

ClinVar aggregate classification (germline): Uncertain significance. Review status: criteria provided, multiple submitters, no conflicts (2 of 4 stars). 2 submissions from 2 submitters: Uncertain significance (2). Last evaluated 2024-05-24.

Conditions:
Hermansky-Pudlak syndrome 1 (HPS1). Also called: DELTA STORAGE POOL DISEASE. Identifiers: Orphanet 231500, Orphanet 79430, MedGen C2931875, MONDO:0008748, OMIM 203300.

gnomAD v4.1: 3 of 1,551,236 alleles (0.00019%); highest among the groups gnomAD compares: Middle Eastern, 0.017%; no homozygotes.

Submissions (2):

Labcorp Genetics (formerly Invitae), Labcorp
Classification: Uncertain significance. Last evaluated: 2024-05-24. Review status: criteria provided, single submitter. Criteria: Invitae Variant Classification Sherloc (09022015). Collection method: clinical testing. Allele origin: germline.
Comment: This sequence change replaces threonine, which is neutral and polar, with isoleucine, which is neutral and non-polar, at codon 315 of the HPS1 protein (p.Thr315Ile). This variant is not present in population databases (gnomAD no frequency). This variant has not been reported in the literature in individuals affected with HPS1-related conditions. Advanced modeling of protein sequence and biophysical properties (such as structural, functional, and spatial information, amino acid conservation, physicochemical variation, residue mobility, and thermodynamic stability) performed at Invitae indicates that this missense variant is not expected to disrupt HPS1 protein function with a negative predictive value of 80%. In summary, the available evidence is currently insufficient to determine the role of this variant in disease. Therefore, it has been classified as a Variant of Uncertain Significance.

Fulgent Genetics
Classification: Uncertain significance for Hermansky-Pudlak syndrome 1. Last evaluated: 2024-04-30. Review status: criteria provided, single submitter. Criteria: ACMG Guidelines, 2015. Collection method: clinical testing. Allele origin: germline.

NM_000195.5(HPS1):c.944C>T (p.Thr315Ile)

Gene: HPS1 (HPS1 biogenesis of lysosomal organelles complex 3 subunit 1; minus strand). Cytogenetic location: 10q24.2.
Variant type: single nucleotide variant.
Coding change: c.944C>T on transcript NM_000195.5 (MANE Select); coding-DNA position 944, C replaced by T.
Protein change: p.Thr315Ile; replaces threonine 315 with isoleucine.
Molecular consequence: missense variant. On other transcripts: 5 prime UTR variant (3).
Genome position (GRCh38, 1-based): chr10:98,427,258, G>A on the plus strand (C>T on the coding strand, the complement: HPS1 is on the minus strand). VCF-style: chr10-98427258-G-A. GRCh37 (hg19) VCF-style: chr10-100187015-G-A.
Other names: c.-29C>T (NM_001311345.2, NM_001322487.2, NM_001322489.2); c.944C>T, p.Thr315Ile (NM_001322476.2, NM_001322477.2); c.845C>T, p.Thr282Ile (NM_001322478.2, NM_001322479.2); c.683C>T, p.Thr228Ile (NM_001322480.2, NM_001322481.2); c.584C>T, p.Thr195Ile (NM_001322482.2); c.575C>T, p.Thr192Ile (NM_001322483.2, NM_001322484.2); c.476C>T, p.Thr159Ile (NM_001322485.2); short protein forms T192I, T282I, T315I, T195I, T228I, T159I.
Identifiers: ClinVar variation 3588967 (VCV003588967.2).
Genomic context (GRCh38, chr10:98,427,258, plus strand): 5'-GCACAGGAGAAACTCACCTGAAGGGCATCCATGGGGGGGGTGCCCCCCTCCAGCCAGATG[G>A]TGCTACCTGCAGGCCACAGGTAATAACATAACGATGTAAGTACCATGAGATGTAAGCAAT-3'
Protein context (NP_000186.2, residues 305-325): PSPGDQSSGS[Thr315Ile]IWLEGGTPPM